The following is an entry in ClinVar:

NM_006060.6(IKZF1):c.1508A>T (p.Tyr503Phe)

Gene: IKZF1 (IKAROS family zinc finger 1; plus strand). Cytogenetic location: 7p12.2.
Variant type: single nucleotide variant.
Coding change: c.1508A>T on transcript NM_006060.6 (MANE Select); coding-DNA position 1508, A replaced by T.
Protein change: p.Tyr503Phe; replaces tyrosine 503 with phenylalanine.
Molecular consequence: missense variant.
Genome position (GRCh38, 1-based): chr7:50,400,575, A>T. VCF-style: chr7-50400575-A-T. GRCh37 (hg19) VCF-style: chr7-50468273-A-T.
Other names: c.1382A>T, p.Tyr461Phe (NM_001220765.3, NM_001291837.2); c.1217A>T, p.Tyr406Phe (NM_001220767.2); c.1247A>T, p.Tyr416Phe (NM_001220768.2, NM_001291838.2); c.1091A>T, p.Tyr364Phe (NM_001220770.2); c.1079A>T, p.Tyr360Phe (NM_001220771.2, NM_001291841.1); c.1121A>T, p.Tyr374Phe (NM_001291839.2); c.818A>T, p.Tyr273Phe (NM_001291840.1); c.1049A>T, p.Tyr350Phe (NM_001291842.1); and 3 more; short protein forms Y406F, Y416F, Y461F, Y360F, Y364F, Y503F, Y523F, Y273F.
Identifiers: ClinVar variation 4774560 (VCV004774560.1).

ClinVar aggregate classification (germline): Uncertain significance (1 of 4 stars; one submission).

gnomAD v4.1: 3 of 1,613,576 alleles (0.00019%); highest among the groups gnomAD compares: Non-Finnish European, 0.00025%; no homozygotes.

Submission:

Labcorp Genetics (formerly Invitae), Labcorp
Classification: Uncertain significance. Last evaluated: 2025-07-16. Review status: criteria provided, single submitter. Criteria: Invitae Variant Classification Sherloc (09022015). Collection method: clinical testing. Allele origin: germline.
Comment: This sequence change replaces tyrosine, which is neutral and polar, with phenylalanine, which is neutral and non-polar, at codon 503 of the IKZF1 protein (p.Tyr503Phe). This variant is present in population databases (rs372476349, gnomAD 0.0009%). This variant has not been reported in the literature in individuals affected with IKZF1-related conditions. An algorithm developed to predict the effect of missense changes on protein structure and function (PolyPhen-2) suggests that this variant is likely to be disruptive. In summary, the available evidence is currently insufficient to determine the role of this variant in disease. Therefore, it has been classified as a Variant of Uncertain Significance.